The following is an entry in ClinVar:

NM_017950.4(CCDC40):c.334A>G (p.Thr112Ala)

Gene: CCDC40 (coiled-coil domain 40 molecular ruler complex subunit; plus strand). Cytogenetic location: 17q25.3.
Variant type: single nucleotide variant.
Coding change: c.334A>G on transcript NM_017950.4 (MANE Select); coding-DNA position 334, A replaced by G.
Protein change: p.Thr112Ala; replaces threonine 112 with alanine.
Molecular consequence: missense variant.
Genome position (GRCh38, 1-based): chr17:80,040,052, A>G. VCF-style: chr17-80040052-A-G. GRCh37 (hg19) VCF-style: chr17-78013851-A-G.
Other names: c.334A>G, p.Thr112Ala (NM_001243342.2, NM_001330508.2); short protein forms T112A.
Identifiers: ClinVar variation 166808 (VCV000166808.47), dbSNP rs201709592, ClinGen allele CA233639.

ClinVar aggregate classification (germline): Conflicting classifications of pathogenicity. Review status: criteria provided, conflicting classifications (1 of 4 stars). 7 submissions from 7 submitters: Uncertain significance (1); Benign (2); Likely benign (4). Last evaluated 2026-02-01.

Conditions:
Primary ciliary dyskinesia 15. Also called: CILIARY DYSKINESIA, PRIMARY, 15, WITH OR WITHOUT SITUS INVERSUS. Identifiers: Orphanet 244, MedGen C3151137, MONDO:0013435, OMIM 613808.
Primary ciliary dyskinesia. Also called: Ciliary dyskinesia. Identifiers: Orphanet 244, MedGen C0008780, MONDO:0016575, HP:0012265.

Allele frequency attached by ClinVar (database versions not stated): ExAC 0.00232; TOPMed 0.00238; gnomAD 0.00245 and 0.00250; 1000 Genomes Project 0.00140; gnomAD exomes 0.00236 and 0.00412; ESP Exome Variant Server 0.00271; 1000 Genomes Project 30x 0.00156.

Submissions (7):

Labcorp Genetics (formerly Invitae), Labcorp
Classification: Benign for Primary ciliary dyskinesia. Last evaluated: 2026-02-01. Review status: criteria provided, single submitter. Criteria: Invitae Variant Classification Sherloc (09022015). Collection method: clinical testing. Allele origin: germline.

ARUP Laboratories, Molecular Genetics and Genomics, ARUP Laboratories
Classification: Likely benign for Primary ciliary dyskinesia 15. Last evaluated: 2023-11-09. Review status: criteria provided, single submitter. Criteria: ARUP Molecular Germline Variant Investigation Process 2024. Collection method: clinical testing. Allele origin: germline.

CeGaT Center for Human Genetics Tuebingen
Classification: Likely benign. Last evaluated: 2022-06-01. Review status: criteria provided, single submitter. Criteria: CeGaT Center For Human Genetics Tuebingen Variant Classification Criteria Version 2. Collection method: clinical testing. Allele origin: germline. Affected: yes. Observed: 1 variant allele.
Comment: CCDC40: BP4, BS2

Illumina Laboratory Services, Illumina
Classification: Uncertain significance for Primary ciliary dyskinesia 15. Last evaluated: 2018-01-12. Review status: criteria provided, single submitter. Criteria: ICSL Variant Classification Criteria 13 December 2019. Collection method: clinical testing. Allele origin: germline.

Eurofins Ntd Llc (ga)
Classification: Likely benign. Last evaluated: 2016-07-12. Review status: criteria provided, single submitter. Criteria: EGL Classification Definitions 2015. Collection method: clinical testing. Allele origin: germline. Observed: 2 variant alleles, 2 heterozygotes.

Ambry Genetics
Classification: Benign for Primary ciliary dyskinesia. Last evaluated: 2016-05-20. Review status: criteria provided, single submitter. Criteria: Ambry Variant Classification Scheme 2023. Collection method: clinical testing. Allele origin: germline.

Laboratory for Molecular Medicine, Mass General Brigham Personalized Medicine
Classification: Likely benign. Last evaluated: 2015-05-06. Review status: criteria provided, single submitter. Criteria: LMM Criteria. Collection method: clinical testing. Allele origin: germline. Observed: 1 variant allele.
Comment: p.Thr112Ala in exon 3 of CCDC40: This variant is not expected to have clinical s ignificance because it has been identified in 0.3% (200/66682) of European chrom osomes, including 3 homozygotes, by the Exome Aggregation Consortium (ExAC; dbSNP rs201709592).